The following is an entry in ClinVar:

ClinVar aggregate classification (germline): Pathogenic. Review status: criteria provided, multiple submitters, no conflicts (2 of 4 stars). 2 submissions from 2 submitters: Pathogenic (2). Last evaluated 2023-03-03.

Conditions:
ABCA4-related disorder. Also called: ABCA4-related disorders; ABCA4-related condition. Identifiers: MedGen CN239167.

Submissions (2):

Labcorp Genetics (formerly Invitae), Labcorp
Classification: Pathogenic. Last evaluated: 2023-03-03. Review status: criteria provided, single submitter. Criteria: Invitae Variant Classification Sherloc (09022015). Collection method: clinical testing. Allele origin: germline.
Comment: This sequence change affects an acceptor splice site in intron 6 of the ABCA4 gene. It is expected to disrupt RNA splicing. Variants that disrupt the donor or acceptor splice site typically lead to a loss of protein function (PMID: 16199547), and loss-of-function variants in ABCA4 are known to be pathogenic (PMID: 10958761, 24938718, 25312043, 26780318). This variant is not present in population databases (gnomAD no frequency). Algorithms developed to predict the effect of sequence changes on RNA splicing suggest that this variant may disrupt the consensus splice site. For these reasons, this variant has been classified as Pathogenic. Disruption of this splice site has been observed in individual(s) with Stargardt disease (PMID: 33301772).

Blueprint Genetics
Classification: Pathogenic for ABCA4-related disorders. Last evaluated: 2020-03-19. Review status: criteria provided, single submitter. Criteria: ACMG Guidelines, 2015. Collection method: clinical testing. Allele origin: germline. Affected: yes. Observed: 5 variant alleles.

Literature cited by the submitters: PubMed 16199547 (cited by Labcorp Genetics (formerly Invitae), Labcorp); PubMed 10958761 (cited by Labcorp Genetics (formerly Invitae), Labcorp); PubMed 24938718 (cited by Labcorp Genetics (formerly Invitae), Labcorp); PubMed 25312043 (cited by Labcorp Genetics (formerly Invitae), Labcorp); PubMed 26780318 (cited by Labcorp Genetics (formerly Invitae), Labcorp); PubMed 33301772 (cited by Labcorp Genetics (formerly Invitae), Labcorp).

NM_000350.3(ABCA4):c.769-1G>A

Gene: ABCA4 (ATP binding cassette subfamily A member 4; minus strand). Cytogenetic location: 1p22.1.
Variant type: single nucleotide variant.
Coding change: c.769-1G>A on transcript NM_000350.3 (MANE Select); the canonical splice acceptor site of the intron before coding-DNA position 769, G replaced by A.
Molecular consequence: splice acceptor variant.
Genome position (GRCh38, 1-based): chr1:94,083,442, C>T on the plus strand (G>A on the coding strand, the complement: ABCA4 is on the minus strand). VCF-style: chr1-94083442-C-T. GRCh37 (hg19) VCF-style: chr1-94548998-C-T.
Identifiers: ClinVar variation 2779971 (VCV002779971.4), dbSNP rs61748542, ClinGen allele CA341285293.